The following is an entry in ClinVar:

NM_000531.6(OTC):c.541-12C>A

Gene: OTC (ornithine transcarbamylase; plus strand). Cytogenetic location: Xp11.4.
Variant type: single nucleotide variant.
Coding change: c.541-12C>A on transcript NM_000531.6 (MANE Select); 12 bases into the intron before coding-DNA position 541, C replaced by A.
Molecular consequence: intron variant.
Genome position (GRCh38, 1-based): chrX:38,403,606, C>A. VCF-style: chrX-38403606-C-A. GRCh37 (hg19) VCF-style: chrX-38262859-C-A.
Identifiers: ClinVar variation 1416740 (VCV001416740.6), dbSNP rs2068500853, ClinGen allele CA2573158788.

ClinVar aggregate classification (germline): Uncertain significance (1 of 4 stars; one submission).

Conditions:
Ornithine carbamoyltransferase deficiency (OTCD). Also called: OTC DEFICIENCY; Ornithine Carbamoyltransferase Deficiency Disease; ORNITHINE TRANSCARBAMYLASE DEFICIENCY; ORNITHINE TRANSCARBAMYLASE DEFICIENCY, HYPERAMMONEMIA DUE TO. Identifiers: Orphanet 664, MedGen C0268542, MONDO:0010703, OMIM 311250.

Submission:

Labcorp Genetics (formerly Invitae), Labcorp
Classification: Uncertain significance for Ornithine carbamoyltransferase deficiency. Last evaluated: 2022-02-04. Review status: criteria provided, single submitter. Criteria: Invitae Variant Classification Sherloc (09022015). Collection method: clinical testing. Allele origin: germline.
Comment: This sequence change falls in intron 5 of the OTC gene. It does not directly change the encoded amino acid sequence of the OTC protein. This variant is not present in population databases (gnomAD no frequency). This variant has not been reported in the literature in individuals affected with OTC-related conditions. Algorithms developed to predict the effect of sequence changes on RNA splicing suggest that this variant may create or strengthen a splice site. In summary, the available evidence is currently insufficient to determine the role of this variant in disease. Therefore, it has been classified as a Variant of Uncertain Significance.